The following is an entry in ClinVar:

ClinVar aggregate classification (germline): Pathogenic/Likely pathogenic. Review status: criteria provided, multiple submitters, no conflicts (2 of 4 stars). 27 submissions from 25 submitters: Pathogenic (21); Likely pathogenic (1). 5 of the submissions do not count toward it. Last evaluated 2026-07-30.

Conditions:
Tuberous sclerosis 2 (TSC2). Identifiers: Orphanet 805, MedGen C1860707, MONDO:0013199, OMIM 613254.
Isolated focal cortical dysplasia type II (FCORD2). Also called: CORTICAL DYSPLASIA OF TAYLOR; Focal cortical dysplasia type II. Identifiers: Orphanet 268994, MedGen C1846385, MONDO:0011818, OMIM 607341, HP:0032051.
Lymphangiomyomatosis (LAM). Also called: Lymphangioleiomyomatosis, somatic; Lymphangioleiomyomatosis. Identifiers: Orphanet 538, MedGen C0751674, MONDO:0011705, OMIM 606690.
TSC2-related disorder. Also called: TSC2-Related Disorders; TSC2-related condition.
Hereditary cancer-predisposing syndrome. Also called: Neoplastic Syndromes, Hereditary; Tumor predisposition; Hereditary Cancer Syndrome; Hereditary neoplastic syndrome. Identifiers: Orphanet 140162, MedGen C0027672, MeSH D009386, MONDO:0015356.
Tuberous sclerosis syndrome (TSC). Also called: Tuberous sclerosis; Tuberous Sclerosis Complex. Identifiers: Orphanet 805, MedGen C0041341, MONDO:0001734.

Submissions 1 to 9 of 27:

Cambridge Genomics Laboratory, East Genomic Laboratory Hub, NHS Genomic Medicine Service
Classification: Pathogenic for Tuberous sclerosis. Last evaluated: 2026-07-30. Review status: criteria provided, single submitter. Criteria: ACGS Best Practice Guidelines for Variant Classification in Rare Disease 2020. Collection method: clinical testing. Allele origin: germline. Affected: yes.
Comment: PS2,PS3_Supporting,PS4_Moderate,PM2,PP3,PP4

Medical and Scientific Branch, Hong Kong Genome Institute
Classification: Pathogenic for Tuberous sclerosis 2. Last evaluated: 2025-12-11. Review status: criteria provided, single submitter. Criteria: ACMG Guidelines, 2015. Collection method: clinical testing. Allele origin: de novo. Affected: yes.

PreventionGenetics, part of Exact Sciences
Classification: Pathogenic for TSC2-related condition. Last evaluated: 2025-11-26. Review status: criteria provided, single submitter. Criteria: ACMG Guidelines, 2015. Collection method: clinical testing. Allele origin: germline.
Comment: The TSC2 c.1832G>A variant is predicted to result in the amino acid substitution p.Arg611Gln. This variant has been reported in multiple individuals with tuberous sclerosis, and to have often arisen de novo (Table S1, Van Eeghen et al. 2013. PubMed ID: 22867869; Rosengren et al. 2020. PubMed ID: 32555378; Dabora et al. 2001. PubMed ID: 11112665; Table S1, Ding et al. 2020. PubMed ID: 32211034). Functional studies have shown this variant results in a loss of function by disrupting tuberin-hamartin binding, thereby preventing formation of the TSC1-TSC2 protein complex (Nellist et al. 2005. PubMed ID: 15483652; Overwater et al. 2016. PubMed ID: 27406250). This variant has not been reported in a large population database (gnomAD) and is listed ClinVar as pathogenic (Variation ID: 12397). An alternate nucleotide change affecting the same amino acid (p.Arg611Trp) has also been reported as pathogenic in multiple individuals with tuberous sclerosis (Au et al. 2007. PubMed ID: 17304050; Table S1, Van Eeghen et al. 2013. PubMed ID: 22867869). This variant is interpreted as pathogenic.

Labcorp Genetics (formerly Invitae), Labcorp
Classification: Pathogenic for Tuberous sclerosis 2. Last evaluated: 2025-10-09. Review status: criteria provided, single submitter. Criteria: Invitae Variant Classification Sherloc (09022015). Collection method: clinical testing. Allele origin: germline.
Comment: This sequence change replaces arginine, which is basic and polar, with glutamine, which is neutral and polar, at codon 611 of the TSC2 protein (p.Arg611Gln). This variant is not present in population databases (gnomAD no frequency). This missense change has been observed in individual(s) with tuberous sclerosis complex (PMID: 9463313, 10205261, 15595939, 17304050). In at least one individual the variant was observed to be de novo. Invitae Evidence Modeling of clinical and family history, age, sex, and reported ancestry of multiple individuals with this TSC2 variant has been performed. This variant is expected to be pathogenic with a positive predictive value of at least 99%. This is a validated machine learning model that incorporates the clinical features of 1,224,362 individuals referred to our laboratory for TSC2 testing. ClinVar contains an entry for this variant (Variation ID: 12397). Invitae Evidence Modeling of protein sequence and biophysical properties (such as structural, functional, and spatial information, amino acid conservation, physicochemical variation, residue mobility, and thermodynamic stability) has been performed for this missense variant. However, the output from this modeling did not meet the statistical confidence thresholds required to predict the impact of this variant on TSC2 protein function. Experimental studies have shown that this missense change affects TSC2 function (PMID: 11741832, 15483652, 18854862, 21309039, 26703369). For these reasons, this variant has been classified as Pathogenic.

Clinical Genomics Laboratory, Washington University in St. Louis
Classification: Pathogenic for Tuberous sclerosis 2. Last evaluated: 2025-06-06. Review status: criteria provided, single submitter. Criteria: Leon-Quintero et al. (Clin Genet. 2025). Collection method: clinical testing. Allele origin: somatic.
Comment: A TSC2 c.1832G>A (p.Arg611Gln) missense variant was identified at an allelic fraction consistent with somatic origin. This variant has been reported in multiple individuals affected with tuberous sclerosis syndrome and lymphangioleiomyomatosis (Togi S et al., PMID: 36232477; Milunsky A et al., PMID: 16032769; Liu X et al. PMID: 31083211; Au KS et al., PMID: 17304050; Carsillo T et al., PMID: 10823953). This variant has been reported in the ClinVar database as pathogenic by multiple submitters (ClinVar ID:12397) and has been reported in a somatic state in the cancer database COSMIC (Genomic mutation ID: COSV54758646). Other variants at the same codon, (p.Arg611Trp, p.Arg611Pro, and p.Arg611Gly), have been reported in individuals with tuberous sclerosis (Rosengren T et al., PMID: 32555378; Hoogeveen-Westerveld M et al., PMID: 21309039; Au KS et al., PMID: 17304050; ClinVar variation ID's: 49643, 3578789, 49177). The TSC2 c.1832G>A (p.Arg611Gln) variant is absent from the general population (gnomAD v.4.1.0), indicating it is not a common variant. Computational predictors indicate that the variant is damaging, evidence that correlates with impact on TSC2 function. In support of this prediction, functional studies demonstrate that this variant inhibits tuberin phosphorylation and prevents the formation of the tuberin‚Äìhamartin complex in multiple in vitro studies (Nellist M et al., PMID:11741832; Nellist M et al., PMID: 15483652; Nellist M et al., PMID: 15963462). Based on an internally developed protocol informed by the ACMG/AMP guidelines (Leon-Quintero FZ, et al., PMID: 39434542) and gene-specific practices from the ClinGen Criteria Specification Registry, the TSC2 c.1832G>A (p.Arg611Gln) variant is classified as pathogenic.

Dasa
Classification: Pathogenic for Tuberous sclerosis 2. Last evaluated: 2025-05-18. Review status: criteria provided, single submitter. Criteria: DASA Assertion Criteria. Collection method: clinical testing. Allele origin: germline.
Comment: NM_000548.5(TSC2):c.1832G>A (p.Arg611Gln) introduces an arginine-to-glutamine substitution at a residue with other pathogenic substitutions, with functional studies demonstrating impaired tuberin function and recurrent reports in individuals with tuberous sclerosis complex (PMID: 21309039). Additionally, it is present at very low frequency in population datasets. Based on the available data, this variant is classified as pathogenic.

3billion
Classification: Pathogenic for Tuberous sclerosis 2. Last evaluated: 2025-05-07. Review status: criteria provided, single submitter. Criteria: ACMG Guidelines, 2015. Collection method: clinical testing. Allele origin: germline. Affected: yes.
Comment: The variant is not observed in the gnomAD v4.1.0 dataset. Predicted Consequence/Location: Missense variant. The majority of the known disease-causing variants of this gene are variants expected to result in premature termination of the protein. Functional studies provide moderate evidence of the variant having a damaging effect on the gene or gene product (PMID: 15483652, 21309039). In silico tool predictions suggest damaging effect of the variant on gene or gene product [REVEL: 0.89 (>=0.6, sensitivity 0.68 and specificity 0.92); 3Cnet: 0.99 (> 0.75, sensitivity 0.96 and precision 0.92)]. The same nucleotide change resulting in the same amino acid change has been previously reported as pathogenic/likely pathogenic with strong evidence (ClinVar ID: VCV000012397 /PMID: 9463313). The variant has been previously reported as assumed (i.e. paternity and maternity not confirmed) de novo in at least one similarly affected unrelated individual (PMID: 9463313). Different missense changes at the same codon (p.Arg611Gly, p.Arg611Pro, p.Arg611Trp) have been reported as pathogenic/likely pathogenic with strong evidence (ClinVar ID: VCV000049177, VCV000049643, VCV003578789 /PMID: 36030538, 8824881). Therefore, this variant is classified as Pathogenic (PS1_S, PS3_M, PM2_M, PM5_M, PM6_M, PP3_P, BP1_P) according to the recommendation of ACMG/AMP guideline.

Department of Neurology, Zibo Changguo Hospital
Classification: Pathogenic for Tuberous sclerosis 2. Last evaluated: 2025-01-10. Review status: criteria provided, single submitter. Criteria: ACMG Guidelines, 2015. Collection method: clinical testing. Allele origin: germline. Inheritance: Autosomal dominant inheritance. Affected: yes.
Comment: PS3, PS4, PM2_Supporting

CeGaT Center for Human Genetics Tuebingen
Classification: Pathogenic. Last evaluated: 2024-04-01. Review status: criteria provided, single submitter. Criteria: CeGaT Center For Human Genetics Tuebingen Variant Classification Criteria Version 2. Collection method: clinical testing. Allele origin: germline. Affected: yes. Observed: 2 variant alleles.
Comment: TSC2: PM6:Strong, PM2, PM5, PS3:Moderate, PS4:Moderate, PP4

NM_000548.5(TSC2):c.1832G>A (p.Arg611Gln)

Gene: TSC2 (TSC complex subunit 2; plus strand). Cytogenetic location: 16p13.3.
Variant type: single nucleotide variant.
Coding change: c.1832G>A on transcript NM_000548.5 (MANE Select); coding-DNA position 1832, G replaced by A.
Protein change: p.Arg611Gln; replaces arginine 611 with glutamine.
Molecular consequence: missense variant.
Genome position (GRCh38, 1-based): chr16:2,070,571, G>A. VCF-style: chr16-2070571-G-A. GRCh37 (hg19) VCF-style: chr16-2120572-G-A.
Other names: c.1832G>A, p.Arg611Gln (NM_001077183.3, NM_001114382.3, NM_001363528.2 and 3 more transcripts); c.1721G>A, p.Arg574Gln (NM_001318827.2); c.1685G>A, p.Arg562Gln (NM_001318829.2); c.1232G>A, p.Arg411Gln (NM_001318831.2); c.1865G>A, p.Arg622Gln (NM_001318832.2); c.1832G>A (NM_000548.4); short protein forms R611Q, R411Q, R622Q, R574Q, R562Q.
Identifiers: ClinVar variation 12397 (VCV000012397.81), dbSNP rs28934872, ClinGen allele CA015920.
Genomic context (GRCh38, chr16:2,070,571, plus strand): 5'-TCAGCCACATTCAGCTCCACTACAAGCACAGCTACACCCTGCCAATCGCGAGCAGCATCC[G>A]GCTGCAGGTATGGTGGCTGGGGTTGCGCAGCCAGTTCCTGGGGGCCCAGCCAGGTATCCC-3'
Protein context (NP_000539.2, residues 601-621): SYTLPIASSI[Arg611Gln]LQAFDFLLLL